The following is an entry in ClinVar:

NM_020117.11(LARS1):c.883A>G (p.Arg295Gly)

Gene: LARS1 (leucyl-tRNA synthetase 1; minus strand). Cytogenetic location: 5q32.
Variant type: single nucleotide variant.
Coding change: c.883A>G on transcript NM_020117.11 (MANE Select); coding-DNA position 883, A replaced by G.
Protein change: p.Arg295Gly; replaces arginine 295 with glycine.
Molecular consequence: missense variant.
Genome position (GRCh38, 1-based): chr5:146,157,585, T>C on the plus strand (A>G on the coding strand, the complement: LARS1 is on the minus strand). VCF-style: chr5-146157585-T-C. GRCh37 (hg19) VCF-style: chr5-145537148-T-C.
Other names: c.745A>G, p.Arg249Gly (NM_001317964.2); c.721A>G, p.Arg241Gly (NM_001317965.2); c.802A>G, p.Arg268Gly (NM_016460.4); short protein forms R241G, R249G, R268G, R295G.
Identifiers: ClinVar variation 4527503 (VCV004527503.1).

ClinVar aggregate classification (germline): Uncertain significance (1 of 4 stars; one submission).

Submission:

GeneDx
Classification: Uncertain significance. Last evaluated: 2025-04-24. Review status: criteria provided, single submitter. Criteria: GeneDx Variant Classification Process June 2021. Collection method: clinical testing. Allele origin: germline. Affected: yes.
Comment: Not observed at significant frequency in large population cohorts (gnomAD); In silico analysis supports that this missense variant has a deleterious effect on protein structure/function; Has not been previously published as pathogenic or benign to our knowledge